The following is an entry in ClinVar:

ClinVar aggregate classification (germline): Uncertain significance (1 of 4 stars; one submission).

Conditions:
Hereditary cancer-predisposing syndrome. Also called: Neoplastic Syndromes, Hereditary; Tumor predisposition; Hereditary Cancer Syndrome; Hereditary neoplastic syndrome. Identifiers: Orphanet 140162, MedGen C0027672, MeSH D009386, MONDO:0015356.

Submission:

Color Diagnostics, LLC DBA Color Health
Classification: Uncertain significance for Hereditary cancer-predisposing syndrome. Last evaluated: 2023-12-04. Review status: criteria provided, single submitter. Criteria: ACMG Guidelines, 2015. Collection method: clinical testing. Allele origin: germline.
Comment: This missense variant replaces valine with alanine at codon 428 of the PALB2 protein. Computational prediction suggests that this variant may not impact protein structure and function (internally defined REVEL score threshold <= 0.5, PMID: 27666373). To our knowledge, functional studies have not been reported for this variant. This variant has not been reported in individuals affected with PALB2-related disorders in the literature. This variant has not been identified in the general population by the Genome Aggregation Database (gnomAD). The available evidence is insufficient to determine the role of this variant in disease conclusively. Therefore, this variant is classified as a Variant of Uncertain Significance.

NM_024675.4(PALB2):c.1283T>C (p.Val428Ala)

Gene: PALB2 (partner and localizer of BRCA2; minus strand). Cytogenetic location: 16p12.2.
Variant type: single nucleotide variant.
Coding change: c.1283T>C on transcript NM_024675.4 (MANE Select); coding-DNA position 1283, T replaced by C.
Protein change: p.Val428Ala; replaces valine 428 with alanine.
Molecular consequence: missense variant.
Genome position (GRCh38, 1-based): chr16:23,635,263, A>G on the plus strand (T>C on the coding strand, the complement: PALB2 is on the minus strand). VCF-style: chr16-23635263-A-G. GRCh37 (hg19) VCF-style: chr16-23646584-A-G.
Other names: short protein forms V428A.
Identifiers: ClinVar variation 924287 (VCV000924287.4), dbSNP rs1966979781, ClinGen allele CA395132563.
Genomic context (GRCh38, chr16:23,635,263, plus strand): 5'-CTTGCATCCTTATTTTTATTTTTAAACCCTTTTTTCTTGACATCCAAATGACTCTGAATG[A>G]CAGCCTCCACGGCTACTTTCCTCTGGCAATTGGACATGCTTCGTGTTGTTCTAACATAAT-3'
Protein context (NP_078951.2, residues 418-438): NCQRKVAVEA[Val428Ala]IQSHLDVKKK